The following is an entry in ClinVar:

ClinVar aggregate classification (germline): Pathogenic (1 of 4 stars; one submission).

Submission:

Labcorp Genetics (formerly Invitae), Labcorp
Classification: Pathogenic. Last evaluated: 2023-08-10. Review status: criteria provided, single submitter. Criteria: Invitae Variant Classification Sherloc (09022015). Collection method: clinical testing. Allele origin: unknown.
Comment: For these reasons, this variant has been classified as Pathogenic. This variant has not been reported in the literature in individuals affected with UBR1-related conditions. This variant is a gross deletion of the genomic region encompassing exon(s) 30 of the UBR1 gene. This deletion is out-of-frame, and is expected to create a premature termination codon and result in an absent or disrupted protein product. Loss-of-function variants in UBR1 are known to be pathogenic (PMID: 24599544).

Literature cited by the submitters: PubMed 24599544.

NC_000015.9:g.(?_43299257)_(43299502_?)del

Gene: UBR1 (ubiquitin protein ligase E3 component n-recognin 1; minus strand). Cytogenetic location: 15q15.2.
Variant type: Deletion.
Identifiers: ClinVar variation 3243919 (VCV003243919.1).